The following is an entry in ClinVar:

ClinVar aggregate classification (germline): Uncertain significance (1 of 4 stars; one submission).

Conditions:
Autosomal dominant epilepsy with auditory features. Identifiers: Orphanet 101046, MedGen C1838062, MONDO:0010898.

Submission:

Labcorp Genetics (formerly Invitae), Labcorp
Classification: Uncertain significance for Autosomal dominant epilepsy with auditory features. Last evaluated: 2024-04-03. Review status: criteria provided, single submitter. Criteria: Invitae Variant Classification Sherloc (09022015). Collection method: clinical testing. Allele origin: germline.
Comment: This sequence change replaces tyrosine, which is neutral and polar, with aspartic acid, which is acidic and polar, at codon 411 of the LGI1 protein (p.Tyr411Asp). This variant is not present in population databases (gnomAD no frequency). This variant has not been reported in the literature in individuals affected with LGI1-related conditions. Advanced modeling of protein sequence and biophysical properties (such as structural, functional, and spatial information, amino acid conservation, physicochemical variation, residue mobility, and thermodynamic stability) performed at Invitae indicates that this missense variant is not expected to disrupt LGI1 protein function with a negative predictive value of 80%. In summary, the available evidence is currently insufficient to determine the role of this variant in disease. Therefore, it has been classified as a Variant of Uncertain Significance.

NM_005097.4(LGI1):c.1231T>G (p.Tyr411Asp)

Gene: LGI1 (leucine rich glioma inactivated 1; plus strand). Cytogenetic location: 10q23.33.
Variant type: single nucleotide variant.
Coding change: c.1231T>G on transcript NM_005097.4 (MANE Select); coding-DNA position 1231, T replaced by G.
Protein change: p.Tyr411Asp; replaces tyrosine 411 with aspartic acid.
Molecular consequence: missense variant. On other transcripts: non-coding transcript variant (1), intron variant (1).
Genome position (GRCh38, 1-based): chr10:93,797,360, T>G. VCF-style: chr10-93797360-T-G. GRCh37 (hg19) VCF-style: chr10-95557117-T-G.
Other names: c.1087T>G, p.Tyr363Asp (NM_001308276.2); c.839-389T>G (NM_001308275.2); short protein forms Y363D, Y411D.
Identifiers: ClinVar variation 3648623 (VCV003648623.2).